The following is an entry in ClinVar:

ClinVar aggregate classification (germline): Likely benign (1 of 4 stars; one submission).

Allele frequency attached by ClinVar (database versions not stated): gnomAD exomes 0.00725; gnomAD 0.00806; TOPMed 0.00895; 1000 Genomes Project 0.00938; 1000 Genomes Project 30x 0.01077.
gnomAD v4.1: 1,208 of 151,818 alleles (0.8%); highest among the groups gnomAD compares: African/African-American, 2.8%; 19 homozygotes.

Submission:

GeneDx
Classification: Likely benign. Last evaluated: 2021-12-03. Review status: criteria provided, single submitter. Criteria: GeneDx Variant Classification Process June 2021. Collection method: clinical testing. Allele origin: germline. Affected: yes.
Comment: See Variant Classification Assertion Criteria.

NM_001453.3(FOXC1):c.-303C>T

Genes: FOXC1 (forkhead box C1; plus strand), LOC129995600 (ATAC-STARR-seq lymphoblastoid silent region 16824; plus strand). Cytogenetic location: 6p25.3.
Variant type: single nucleotide variant.
Coding change: c.-303C>T on transcript NM_001453.3 (MANE Select); 303 bases upstream of the start codon, C replaced by T.
Molecular consequence: 5 prime UTR variant.
Genome position (GRCh38, 1-based): chr6:1,610,143, C>T. VCF-style: chr6-1610143-C-T. GRCh37 (hg19) VCF-style: chr6-1610378-C-T.
Identifiers: ClinVar variation 2503306 (VCV002503306.1), dbSNP rs533266244, ClinGen allele CA133388715.